The following is an entry in ClinVar:

NM_025137.4(SPG11):c.107A>G (p.Glu36Gly)

Gene: SPG11 (SPG11 vesicle trafficking associated, spatacsin; minus strand). Cytogenetic location: 15q21.1.
Variant type: single nucleotide variant.
Coding change: c.107A>G on transcript NM_025137.4 (MANE Select); coding-DNA position 107, A replaced by G.
Protein change: p.Glu36Gly; replaces glutamic acid 36 with glycine.
Molecular consequence: missense variant.
Genome position (GRCh38, 1-based): chr15:44,663,541, T>C on the plus strand (A>G on the coding strand, the complement: SPG11 is on the minus strand). VCF-style: chr15-44663541-T-C. GRCh37 (hg19) VCF-style: chr15-44955739-T-C.
Other names: c.107A>G, p.Glu36Gly (NM_001160227.2); short protein forms E36G.
Identifiers: ClinVar variation 1439478 (VCV001439478.6), dbSNP rs1219891696, ClinGen allele CA392238771.

ClinVar aggregate classification (germline): Uncertain significance (1 of 4 stars; one submission).

Conditions:
Hereditary spastic paraplegia 11. Also called: Spastic Paraplegia 11; Spastic paraplegia, mental retardation and thin corpus callosum; SPASTIC PARAPLEGIA, AUTOSOMAL RECESSIVE, COMPLICATED, WITH THIN CORPUS CALLOSUM; SPASTIC PARAPLEGIA, AUTOSOMAL RECESSIVE, WITH MENTAL IMPAIRMENT AND THIN CORPUS CALLOSUM; Nakamura Osame syndrome; Autosomal recessive hereditary spastic paraplegia, mental impairment, and thin corpus callosum. Identifiers: Orphanet 2822, MedGen C1858479, MONDO:0011445, OMIM 604360.

Allele frequency attached by ClinVar (database versions not stated): TOPMed 0.00001.

Submission:

Labcorp Genetics (formerly Invitae), Labcorp
Classification: Uncertain significance for Hereditary spastic paraplegia 11. Last evaluated: 2023-12-07. Review status: criteria provided, single submitter. Criteria: Invitae Variant Classification Sherloc (09022015). Collection method: clinical testing. Allele origin: germline.
Comment: This sequence change replaces glutamic acid, which is acidic and polar, with glycine, which is neutral and non-polar, at codon 36 of the SPG11 protein (p.Glu36Gly). This variant is not present in population databases (gnomAD no frequency). This variant has not been reported in the literature in individuals affected with SPG11-related conditions. ClinVar contains an entry for this variant (Variation ID: 1439478). An algorithm developed to predict the effect of missense changes on protein structure and function (PolyPhen-2) suggests that this variant is likely to be disruptive. In summary, the available evidence is currently insufficient to determine the role of this variant in disease. Therefore, it has been classified as a Variant of Uncertain Significance.